The following is an entry in ClinVar:

NM_033409.4(SLC52A3):c.746A>G (p.Glu249Gly)

Gene: SLC52A3 (solute carrier family 52 member 3; minus strand). Cytogenetic location: 20p13.
Variant type: single nucleotide variant.
Coding change: c.746A>G on transcript NM_033409.4 (MANE Select); coding-DNA position 746, A replaced by G.
Protein change: p.Glu249Gly; replaces glutamic acid 249 with glycine.
Molecular consequence: missense variant.
Genome position (GRCh38, 1-based): chr20:763,825, T>C on the plus strand (A>G on the coding strand, the complement: SLC52A3 is on the minus strand). VCF-style: chr20-763825-T-C. GRCh37 (hg19) VCF-style: chr20-744469-T-C.
Other names: c.746A>G, p.Glu249Gly (NM_001370085.1, NM_001370086.1); short protein forms E249G.
Identifiers: ClinVar variation 1361180 (VCV001361180.8), dbSNP rs2122518116, ClinGen allele CA407963184.

ClinVar aggregate classification (germline): Uncertain significance (1 of 4 stars; one submission).

Conditions:
Brown-Vialetto-van Laere syndrome 1. Also called: BROWN-VIALETTO-VAN LAERE SYNDROME 1, MILD; BULBAR PALSY, PROGRESSIVE, WITH SENSORINEURAL DEAFNESS; PONTOBULBAR PALSY WITH DEAFNESS. Identifiers: Orphanet 572550, Orphanet 97229, MedGen C0796274, MONDO:0024537, OMIM 211530.

Submission:

Labcorp Genetics (formerly Invitae), Labcorp
Classification: Uncertain significance for Brown-Vialetto-van Laere syndrome 1. Last evaluated: 2021-04-17. Review status: criteria provided, single submitter. Criteria: Invitae Variant Classification Sherloc (09022015). Collection method: clinical testing. Allele origin: germline.
Comment: This variant has not been reported in the literature in individuals with SLC52A3-related conditions. This sequence change replaces glutamic acid with glycine at codon 249 of the SLC52A3 protein (p.Glu249Gly). The glutamic acid residue is weakly conserved and there is a moderate physicochemical difference between glutamic acid and glycine. This variant is not present in population databases (ExAC no frequency). Algorithms developed to predict the effect of missense changes on protein structure and function (SIFT, PolyPhen-2, Align-GVGD) all suggest that this variant is likely to be tolerated, but these predictions have not been confirmed by published functional studies and their clinical significance is uncertain. In summary, the available evidence is currently insufficient to determine the role of this variant in disease. Therefore, it has been classified as a Variant of Uncertain Significance.